The following is an entry in ClinVar:

NM_001844.5(COL2A1):c.877C>G (p.Pro293Ala)

Gene: COL2A1 (collagen type II alpha 1 chain; minus strand). Cytogenetic location: 12q13.11.
Variant type: single nucleotide variant.
Coding change: c.877C>G on transcript NM_001844.5 (MANE Select); coding-DNA position 877, C replaced by G.
Protein change: p.Pro293Ala; replaces proline 293 with alanine.
Molecular consequence: missense variant.
Genome position (GRCh38, 1-based): chr12:47,993,856, G>C on the plus strand (C>G on the coding strand, the complement: COL2A1 is on the minus strand). VCF-style: chr12-47993856-G-C. GRCh37 (hg19) VCF-style: chr12-48387639-G-C.
Other names: c.670C>G, p.Pro224Ala (NM_033150.3); short protein forms P224A, P293A.
Identifiers: ClinVar variation 4856139 (VCV004856139.1).

ClinVar aggregate classification (germline): Uncertain significance (1 of 4 stars; one submission).

Conditions:
COL2A1-related disorder. Also called: COL2A1-related condition; COL2A1-related disorders.

Submission:

3billion
Classification: Uncertain significance for COL2A1-related disorder. Last evaluated: 2026-01-05. Review status: criteria provided, single submitter. Criteria: ACMG Guidelines, 2015. Collection method: clinical testing. Allele origin: germline. Affected: yes.
Comment: The variant is not observed in the gnomAD v4.1.0 dataset. Predicted Consequence/Location: The variant is located in a mutational hot spot and/or well-established functional domain in which established pathogenic variants have been reported (PMID: 26626311). In silico tool predictions suggest damaging effect of the variant on gene or gene product [REVEL: 0.73 (>=0.6, sensitivity 0.68 and specificity 0.92)]. Therefore, this variant is classified as VUS according to the recommendation of ACMG/AMP guideline.